The following is an entry in ClinVar:

NM_203446.3(SYNJ1):c.1880T>C (p.Leu627Pro)

Gene: SYNJ1 (synaptojanin 1; minus strand). Cytogenetic location: 21q22.11.
Variant type: single nucleotide variant.
Coding change: c.1880T>C on transcript NM_203446.3 (MANE Select); coding-DNA position 1880, T replaced by C.
Protein change: p.Leu627Pro; replaces leucine 627 with proline.
Molecular consequence: missense variant.
Genome position (GRCh38, 1-based): chr21:32,666,505, A>G on the plus strand (T>C on the coding strand, the complement: SYNJ1 is on the minus strand). VCF-style: chr21-32666505-A-G. GRCh37 (hg19) VCF-style: chr21-34038815-A-G.
Other names: c.1880T>C, p.Leu627Pro (NM_001160302.2); c.1865T>C, p.Leu622Pro (NM_001160306.2); c.1997T>C, p.Leu666Pro (NM_003895.4); short protein forms L666P, L622P, L627P.
Identifiers: ClinVar variation 1391617 (VCV001391617.9), dbSNP rs1425713908, ClinGen allele CA410080724.

ClinVar aggregate classification (germline): Uncertain significance. Review status: criteria provided, multiple submitters, no conflicts (2 of 4 stars). 3 submissions from 3 submitters: Uncertain significance (3). Last evaluated 2026-09-01.

Conditions:
Early-onset Parkinson disease 20. Also called: PARKINSON DISEASE 20, AUTOSOMAL RECESSIVE EARLY-ONSET. Identifiers: Orphanet 391411, MedGen C3809824, MONDO:0014233, OMIM 615530.
Developmental and epileptic encephalopathy, 53. Also called: Epileptic encephalopathy, early infantile, 53. Identifiers: MedGen C4479313, MONDO:0033362, OMIM 617389.

Allele frequency attached by ClinVar (database versions not stated): gnomAD exomes 0.00002 and 0.00001; gnomAD 0.00001.
gnomAD v4.1: 11 of 1,614,074 alleles (0.00068%); highest among the groups gnomAD compares: African/African-American, 0.0013%; no homozygotes.

Submissions (3):

CeGaT Center for Human Genetics Tuebingen
Classification: Uncertain significance. Last evaluated: 2026-09-01. Review status: criteria provided, single submitter. Criteria: CeGaT Center For Human Genetics Tuebingen Variant Classification Criteria Version 2. Collection method: clinical testing. Allele origin: germline. Affected: yes. Observed: 1 variant allele.
Comment: SYNJ1: PM2, PP3

Blueprint Genetics
Classification: Uncertain significance. Last evaluated: 2024-04-26. Review status: criteria provided, single submitter. Criteria: ACMG Guidelines, 2015. Collection method: clinical testing. Allele origin: germline.

Labcorp Genetics (formerly Invitae), Labcorp
Classification: Uncertain significance for Developmental and epileptic encephalopathy, 53; Early-onset Parkinson disease 20. Last evaluated: 2022-07-25. Review status: criteria provided, single submitter. Criteria: Invitae Variant Classification Sherloc (09022015). Collection method: clinical testing. Allele origin: germline.
Comment: This variant has not been reported in the literature in individuals affected with SYNJ1-related conditions. In summary, the available evidence is currently insufficient to determine the role of this variant in disease. Therefore, it has been classified as a Variant of Uncertain Significance. Algorithms developed to predict the effect of missense changes on protein structure and function are either unavailable or do not agree on the potential impact of this missense change (SIFT: "Deleterious"; PolyPhen-2: "Probably Damaging"; Align-GVGD: "Class C0"). ClinVar contains an entry for this variant (Variation ID: 1391617). This variant is present in population databases (no rsID available, gnomAD 0.002%). This sequence change replaces leucine, which is neutral and non-polar, with proline, which is neutral and non-polar, at codon 666 of the SYNJ1 protein (p.Leu666Pro).